The following is an entry in ClinVar:

NM_001453.3(FOXC1):c.753C>A (p.Ala251=)

Gene: FOXC1 (forkhead box C1; plus strand). Cytogenetic location: 6p25.3.
Variant type: single nucleotide variant.
Coding change: c.753C>A on transcript NM_001453.3 (MANE Select); coding-DNA position 753, C replaced by A.
Protein change: p.Ala251=; no amino-acid change (alanine 251 retained).
Molecular consequence: synonymous variant.
Genome position (GRCh38, 1-based): chr6:1,611,198, C>A. VCF-style: chr6-1611198-C-A. GRCh37 (hg19) VCF-style: chr6-1611433-C-A.
Identifiers: ClinVar variation 4874111 (VCV004874111.2).
Genomic context (GRCh38, chr6:1,611,198, plus strand): 5'-TACGTGCCCCTCGCCGCCCCAGCCCCTGTCCCCGGCCGCCGCCCTGGGCAGCGGCAGCGC[C>A]GCCGCGGTGCCCAAGATCGAGAGCCCCGACAGCAGCAGCAGCAGCCTGTCCAGCGGGAGC-3'
Protein context (NP_001444.2, residues 241-261): SPAAALGSGS[Ala251=]AAVPKIESPD

ClinVar aggregate classification (germline): Likely benign (1 of 4 stars; one submission).

Submission:

CeGaT Center for Human Genetics Tuebingen
Classification: Likely benign. Last evaluated: 2026-04-01. Review status: criteria provided, single submitter. Criteria: CeGaT Center For Human Genetics Tuebingen Variant Classification Criteria Version 2. Collection method: clinical testing. Allele origin: germline. Affected: yes. Observed: 1 variant allele.
Comment: FOXC1: PM2:Supporting, BP4, BP7